The following continues an entry in ClinVar:

NM_000157.4(GBA1):c.1226A>G (p.Asn409Ser)

ClinVar aggregate classification (germline): Pathogenic/Likely pathogenic; risk factor. Pathogenic (49); Likely pathogenic (4).

Literature cited by the submitters, continued: PubMed 27271787 (cited by AiLife Diagnostics); PubMed 22975760 (cited by AiLife Diagnostics); PubMed 29625627 (cited by AiLife Diagnostics); PubMed 19217815 (cited by AiLife Diagnostics and Myriad Genetics, Inc.); PubMed 19830760 (cited by AiLife Diagnostics); PubMed 30216542 (cited by AiLife Diagnostics); PubMed 24195576 (cited by AiLife Diagnostics); PubMed 25168325 (cited by AiLife Diagnostics); PubMed 24022302 (cited by 3 submitters); PubMed 24020503 (cited by AiLife Diagnostics); PubMed 27153395 (cited by AiLife Diagnostics); PubMed 21700325 (cited by AiLife Diagnostics); PubMed 30606667 (cited by AiLife Diagnostics); PubMed 18987351 (cited by AiLife Diagnostics and Illumina Laboratory Services, Illumina); PubMed 19945510 (cited by AiLife Diagnostics); PubMed 33281709 (cited by AiLife Diagnostics); PubMed 20980259 (cited by AiLife Diagnostics and Broad Center for Mendelian Genomics, Broad Institute of MIT and Harvard); PubMed 32714263 (cited by AiLife Diagnostics); PubMed 31996268 (cited by AiLife Diagnostics); PubMed 32658388 (cited by AiLife Diagnostics); PubMed 30364808 (cited by AiLife Diagnostics); PubMed 30487145 (cited by AiLife Diagnostics); PubMed 29431110 (cited by AiLife Diagnostics); PubMed 29140481 (cited by AiLife Diagnostics); PubMed 20643691 (cited by AiLife Diagnostics); PubMed 29842932 (cited by AiLife Diagnostics); PubMed 23642305 (cited by AiLife Diagnostics); PubMed 28966932 (cited by AiLife Diagnostics); PubMed 19260119 (cited by 3 submitters); PubMed 22961873 (cited by AiLife Diagnostics); PubMed 20980263 (cited by AiLife Diagnostics); PubMed 14578207 (cited by AiLife Diagnostics); PubMed 27735925 (cited by AiLife Diagnostics); PubMed 23277556 (cited by AiLife Diagnostics); PubMed 21653695 (cited by AiLife Diagnostics); PubMed 29029963 (cited by AiLife Diagnostics); PubMed 32042592 (cited by AiLife Diagnostics); PubMed 22388998 (cited by AiLife Diagnostics); PubMed 8160756 (cited by AiLife Diagnostics); PubMed 31188768 (cited by AiLife Diagnostics); PubMed 10796875 (cited by 4 submitters); PubMed 12482401 (cited by Johns Hopkins Genomics, Johns Hopkins University); PubMed 20672374 (cited by Johns Hopkins Genomics, Johns Hopkins University); PubMed 21431620 (cited by Johns Hopkins Genomics, Johns Hopkins University); PubMed 27872820 (cited by Johns Hopkins Genomics, Johns Hopkins University); PubMed 17395504 (cited by Laboratory for Molecular Medicine, Mass General Brigham Personalized Medicine); PubMed 29527153 (cited by Laboratory for Molecular Medicine, Mass General Brigham Personalized Medicine); PubMed 24756352 (cited by Laboratory for Molecular Medicine, Mass General Brigham Personalized Medicine); PubMed 22451204 (cited by Laboratory for Molecular Medicine, Mass General Brigham Personalized Medicine); PubMed 17427031 (cited by Broad Center for Mendelian Genomics, Broad Institute of MIT and Harvard); PubMed 14757438 (cited by Broad Center for Mendelian Genomics, Broad Institute of MIT and Harvard); PubMed 28923368 (cited by Broad Center for Mendelian Genomics, Broad Institute of MIT and Harvard); PubMed 33223529 (cited by Hadassah Hebrew University Medical Center); PubMed 18434642 (cited by Illumina Laboratory Services, Illumina); PubMed 22968580 (cited by Illumina Laboratory Services, Illumina); PubMed 18338393 (cited by Division of Human Genetics, Children's Hospital of Philadelphia); PubMed 1899336 (cited by OMIM); PubMed 2569551 (cited by OMIM); Kolodny, E., Firon, N., Natowicz, M., Horowitz, M. Gaucher disease in three successive generations of an Ashkenazi Jewish family: analysis of intrafamilial clinical variability by molecular diagnosis. (Abstract) Am. J. Hum. Genet. 45 (suppl.): A202-only, 1989. (cited by OMIM); PubMed 2117855 (cited by OMIM); PubMed 2309702 (cited by OMIM); PubMed 1971142 (cited by OMIM); PubMed 1897529 (cited by OMIM); PubMed 8516282 (cited by OMIM); PubMed 1348297 (cited by OMIM); PubMed 8450045 (cited by OMIM); PubMed 8487270 (cited by OMIM); PubMed 7789963 (cited by OMIM); PubMed 9554746 (cited by OMIM); PubMed 20662857 (cited by OMIM).